The following is an entry in ClinVar:

NM_004629.2(FANCG):c.77A>G (p.Gln26Arg)

Gene: FANCG (FA complementation group G; minus strand). Cytogenetic location: 9p13.3.
Variant type: single nucleotide variant.
Coding change: c.77A>G on transcript NM_004629.2 (MANE Select); coding-DNA position 77, A replaced by G.
Protein change: p.Gln26Arg; replaces glutamine 26 with arginine.
Molecular consequence: missense variant.
Genome position (GRCh38, 1-based): chr9:35,079,448, T>C on the plus strand (A>G on the coding strand, the complement: FANCG is on the minus strand). VCF-style: chr9-35079448-T-C. GRCh37 (hg19) VCF-style: chr9-35079445-T-C.
Other names: short protein forms Q26R.
Identifiers: ClinVar variation 134357 (VCV000134357.43), dbSNP rs200677800, ClinGen allele CA159590.

ClinVar aggregate classification (germline): Benign/Likely benign. Review status: criteria provided, multiple submitters, no conflicts (2 of 4 stars). 7 submissions from 7 submitters: Benign (3); Likely benign (1). 3 of the submissions do not count toward it. Last evaluated 2026-09-01.

Conditions:
FANCG-related disorder. Also called: FANCG-related condition.
Fanconi anemia (FA). Also called: Fanconi's anemia. Identifiers: Orphanet 84, MedGen C0015625, MeSH D005199, MONDO:0019391.
Fanconi anemia complementation group G. Also called: Fanconi anemia group G; FANCG-Related Fanconi Anemia. Identifiers: Orphanet 84, MedGen C3469527, MONDO:0013565, OMIM 614082.

Allele frequency attached by ClinVar (database versions not stated): gnomAD 0.00004 and 0.00055; TOPMed 0.00013; gnomAD exomes 0.00114 and 0.00233; ExAC 0.00278; 1000 Genomes Project 30x 0.00468; 1000 Genomes Project 0.00519.
gnomAD v4.1: 1,753 of 1,614,120 alleles (0.11%); highest among the groups gnomAD compares: South Asian, 1.8%; 33 homozygotes.

Submissions (7):

CeGaT Center for Human Genetics Tuebingen
Classification: Benign. Last evaluated: 2026-09-01. Review status: criteria provided, single submitter. Criteria: CeGaT Center For Human Genetics Tuebingen Variant Classification Criteria Version 2. Collection method: clinical testing. Allele origin: germline. Affected: yes. Observed: 5 variant alleles.
Comment: FANCG: BS1, BS2

Labcorp Genetics (formerly Invitae), Labcorp
Classification: Benign for Fanconi anemia. Last evaluated: 2026-01-31. Review status: criteria provided, single submitter. Criteria: Invitae Variant Classification Sherloc (09022015). Collection method: clinical testing. Allele origin: germline.

Fulgent Genetics
Classification: Likely benign for Fanconi anemia complementation group G. Last evaluated: 2021-07-28. Review status: criteria provided, single submitter. Criteria: ACMG Guidelines, 2015. Collection method: clinical testing. Allele origin: unknown.

Illumina Laboratory Services, Illumina
Classification: Benign for Fanconi anemia complementation group G. Last evaluated: 2017-04-27. Review status: criteria provided, single submitter. Criteria: ICSL Variant Classification Criteria 13 December 2019. Collection method: clinical testing. Allele origin: germline.
Comment: This variant was observed as part of a predisposition screen in an ostensibly healthy population. A literature search was performed for the gene, cDNA change, and amino acid change (where applicable). Publications were found based on this search. The evidence from the literature, in combination with allele frequency data from public databases where available, was sufficient to rule this variant out of causing disease. Therefore, this variant is classified as benign.

PreventionGenetics, part of Exact Sciences
Classification: Benign for FANCG-related condition. Last evaluated: 2021-05-26. Review status: no assertion criteria provided. Collection method: clinical testing. Allele origin: germline. Not counted in ClinVar's aggregate classification.
Comment: This variant is classified as benign based on ACMG/AMP sequence variant interpretation guidelines (Richards et al. 2015 PMID: 25741868, with internal and published modifications).

Natera, Inc.
Classification: Benign for Fanconi anemia group G. Last evaluated: 2020-09-16. Review status: no assertion criteria provided. Collection method: clinical testing. Allele origin: germline. Not counted in ClinVar's aggregate classification.

ITMI
No classification provided. Condition: AllHighlyPenetrant. Last evaluated: 2013-09-19. Review status: no classification provided. Collection method: reference population. Allele origin: germline. Not counted in ClinVar's aggregate classification.
Comment: Please see associated publication for description of ethnicities

Literature cited by the submitters: PubMed 24728327 (cited by Illumina Laboratory Services, Illumina and ITMI); PubMed 10961856 (cited by Illumina Laboratory Services, Illumina); PubMed 11093276 (cited by Illumina Laboratory Services, Illumina); PubMed 12552564 (cited by Illumina Laboratory Services, Illumina).